The following is an entry in ClinVar:

NM_000642.3(AGL):c.1612-3C>T

Gene: AGL (amylo-alpha-1,6-glucosidase and 4-alpha-glucanotransferase; plus strand). Cytogenetic location: 1p21.2.
Variant type: single nucleotide variant.
Coding change: c.1612-3C>T on transcript NM_000642.3 (MANE Select); 3 bases into the intron before coding-DNA position 1612, C replaced by T.
Molecular consequence: intron variant.
Genome position (GRCh38, 1-based): chr1:99,879,920, C>T. VCF-style: chr1-99879920-C-T. GRCh37 (hg19) VCF-style: chr1-100345476-C-T.
Other names: c.1612-3C>T (NM_000643.3, NM_000644.3, NM_001425326.1 and 2 more transcripts); c.1564-3C>T (NM_000646.3); c.1411-3C>T (NM_001425327.1); c.1408-3C>T (NM_001425328.1, NM_001425329.1); c.1234-3C>T (NM_001425332.1).
Identifiers: ClinVar variation 1350352 (VCV001350352.3), dbSNP rs1286941369, ClinGen allele CA524707808.

ClinVar aggregate classification (germline): Uncertain significance (1 of 4 stars; one submission).

Conditions:
Glycogen storage disease type III (GSD3). Also called: Cori disease; FORBES DISEASE. Identifiers: Orphanet 366, MedGen C0017922, MONDO:0009291, OMIM 232400.

Allele frequency attached by ClinVar (database versions not stated): gnomAD exomes below 0.00001.
gnomAD v4.1: 4 of 1,608,802 alleles (0.00025%); highest among the groups gnomAD compares: East Asian, 0.0022%; no homozygotes.

Submission:

Labcorp Genetics (formerly Invitae), Labcorp
Classification: Uncertain significance for Glycogen storage disease type III. Last evaluated: 2021-06-30. Review status: criteria provided, single submitter. Criteria: Invitae Variant Classification Sherloc (09022015). Collection method: clinical testing. Allele origin: germline.
Comment: This sequence change falls in intron 12 of the AGL gene. It does not directly change the encoded amino acid sequence of the AGL protein. It affects a nucleotide within the consensus splice site of the intron. This variant is not present in population databases (ExAC no frequency). This variant has not been reported in the literature in individuals affected with AGL-related conditions. Nucleotide substitutions within the consensus splice site are a relatively common cause of aberrant splicing (PMID: 17576681, 9536098). Algorithms developed to predict the effect of sequence changes on RNA splicing suggest that this variant is not likely to affect RNA splicing. In summary, the available evidence is currently insufficient to determine the role of this variant in disease. Therefore, it has been classified as a Variant of Uncertain Significance.

Literature cited by the submitters: PubMed 17576681; PubMed 9536098.